The following is an entry in ClinVar:

NM_000298.6(PKLR):c.607_608delinsTT (p.Asp203Phe)

Gene: PKLR (pyruvate kinase L/R; minus strand). Cytogenetic location: 1q22.
Variant type: Indel.
Coding change: c.607_608delinsTT on transcript NM_000298.6 (MANE Select); coding-DNA positions 607 to 608, GA replaced by TT.
Protein change: p.Asp203Phe; replaces aspartic acid 203 with phenylalanine.
Molecular consequence: missense variant.
Genome position (GRCh38, 1-based): chr1:155,295,202-155,295,203, TC replaced by AA on the plus strand (GA replaced by TT on the coding strand, the reverse complement: PKLR is on the minus strand). VCF-style: chr1-155295202-TC-AA. GRCh37 (hg19) VCF-style: chr1-155264993-TC-AA.
Other names: c.514_515delinsTT, p.Asp172Phe (NM_181871.4); short protein forms D172F, D203F.
Identifiers: ClinVar variation 4722522 (VCV004722522.1).

ClinVar aggregate classification (germline): Uncertain significance (1 of 4 stars; one submission).

Submission:

Labcorp Genetics (formerly Invitae), Labcorp
Classification: Uncertain significance. Last evaluated: 2025-11-24. Review status: criteria provided, single submitter. Criteria: Invitae Variant Classification Sherloc (09022015). Collection method: clinical testing. Allele origin: germline.
Comment: This sequence change replaces aspartic acid, which is acidic and polar, with phenylalanine, which is neutral and non-polar, at codon 203 of the PKLR protein (p.Asp203Phe). Information on the frequency of this variant in the gnomAD database is not available, as this variant may be reported differently in the database. This variant has not been reported in the literature in individuals affected with PKLR-related conditions. An algorithm developed to predict the effect of missense changes on protein structure and function (PolyPhen-2) suggests that this variant is likely to be disruptive. In summary, the available evidence is currently insufficient to determine the role of this variant in disease. Therefore, it has been classified as a Variant of Uncertain Significance.